The following is an entry in ClinVar:

ClinVar aggregate classification (germline): Uncertain significance (1 of 4 stars; one submission).

Allele frequency attached by ClinVar (database versions not stated): gnomAD exomes below 0.00001; TOPMed 0.00002; gnomAD 0.00003 and 0.00004.
gnomAD v4.1: 7 of 1,567,166 alleles (0.00045%); highest among the groups gnomAD compares: African/African-American, 0.0095%; no homozygotes.

Submission:

Labcorp Genetics (formerly Invitae), Labcorp
Classification: Uncertain significance. Last evaluated: 2021-04-23. Review status: criteria provided, single submitter. Criteria: Invitae Variant Classification Sherloc (09022015). Collection method: clinical testing. Allele origin: germline.
Comment: In summary, the available evidence is currently insufficient to determine the role of this variant in disease. Therefore, it has been classified as a Variant of Uncertain Significance. Algorithms developed to predict the effect of missense changes on protein structure and function (SIFT, PolyPhen-2, Align-GVGD) all suggest that this variant is likely to be disruptive, but these predictions have not been confirmed by published functional studies and their clinical significance is uncertain. This variant has not been reported in the literature in individuals with GUF1-related conditions. This variant is not present in population databases (ExAC no frequency). This sequence change replaces isoleucine with threonine at codon 452 of the GUF1 protein (p.Ile452Thr). The isoleucine residue is highly conserved and there is a moderate physicochemical difference between isoleucine and threonine.

NM_021927.3(GUF1):c.1355T>C (p.Ile452Thr)

Gene: GUF1 (GTP binding elongation factor GUF1; plus strand). Cytogenetic location: 4p12.
Variant type: single nucleotide variant.
Coding change: c.1355T>C on transcript NM_021927.3 (MANE Select); coding-DNA position 1355, T replaced by C.
Protein change: p.Ile452Thr; replaces isoleucine 452 with threonine.
Molecular consequence: missense variant.
Genome position (GRCh38, 1-based): chr4:44,690,736, T>C. VCF-style: chr4-44690736-T-C. GRCh37 (hg19) VCF-style: chr4-44692753-T-C.
Other names: c.383T>C, p.Ile128Thr (NM_001345867.2, NM_001345869.2); c.1355T>C, p.Ile452Thr (NM_001345868.2); short protein forms I452T, I128T.
Identifiers: ClinVar variation 1352151 (VCV001352151.8), dbSNP rs1221959391, ClinGen allele CA356763767.
Genomic context (GRCh38, chr4:44,690,736, plus strand): 5'-ATATTAAGATTTTAAGTATTGCTGATTTTTCTAATTTTTAGGAACATAGAGAAAAAGAAA[T>C]TACAATTATCAATCCTGCACAATTCCCCGATAAATCAAAAGTAACAGAATATTTGGAGCC-3'
Protein context (NP_068746.2, residues 442-462): KLIKEHREKE[Ile452Thr]TIINPAQFPD